The following is an entry in ClinVar:

NM_014795.4(ZEB2):c.2533G>T (p.Asp845Tyr)

Gene: ZEB2 (zinc finger E-box binding homeobox 2; minus strand). Cytogenetic location: 2q22.3.
Variant type: single nucleotide variant.
Coding change: c.2533G>T on transcript NM_014795.4 (MANE Select); coding-DNA position 2533, G replaced by T.
Protein change: p.Asp845Tyr; replaces aspartic acid 845 with tyrosine.
Molecular consequence: missense variant.
Genome position (GRCh38, 1-based): chr2:144,398,654, C>A on the plus strand (G>T on the coding strand, the complement: ZEB2 is on the minus strand). VCF-style: chr2-144398654-C-A. GRCh37 (hg19) VCF-style: chr2-145156221-C-A.
Other names: c.2461G>T, p.Asp821Tyr (NM_001171653.2); short protein forms D821Y, D845Y.
Identifiers: ClinVar variation 3720130 (VCV003720130.2).

ClinVar aggregate classification (germline): Uncertain significance (1 of 4 stars; one submission).

Conditions:
Mowat-Wilson syndrome (MOWS). Also called: Classic Mowat-Wilson Syndrome. Identifiers: Orphanet 2152, MedGen C1856113, MONDO:0009341, OMIM 235730.

Submission:

Labcorp Genetics (formerly Invitae), Labcorp
Classification: Uncertain significance for Mowat-Wilson syndrome. Last evaluated: 2024-09-05. Review status: criteria provided, single submitter. Criteria: Invitae Variant Classification Sherloc (09022015). Collection method: clinical testing. Allele origin: germline.
Comment: This sequence change replaces aspartic acid, which is acidic and polar, with tyrosine, which is neutral and polar, at codon 845 of the ZEB2 protein (p.Asp845Tyr). This variant is present in population databases (rs755758539, gnomAD 0.002%). This variant has not been reported in the literature in individuals affected with ZEB2-related conditions. Invitae Evidence Modeling incorporating data from in vitro experimental studies (internal data) indicates that this missense variant is not expected to disrupt ZEB2 function with a negative predictive value of 95%. In summary, the available evidence is currently insufficient to determine the role of this variant in disease. Therefore, it has been classified as a Variant of Uncertain Significance.